The following is an entry in ClinVar:

ClinVar aggregate classification (germline): Uncertain significance (1 of 4 stars; one submission).

Submission:

Labcorp Genetics (formerly Invitae), Labcorp
Classification: Uncertain significance. Last evaluated: 2022-03-19. Review status: criteria provided, single submitter. Criteria: Invitae Variant Classification Sherloc (09022015). Collection method: clinical testing. Allele origin: germline.
Comment: Algorithms developed to predict the effect of missense changes on protein structure and function output the following: SIFT: "Tolerated"; PolyPhen-2: "Benign"; Align-GVGD: "Class C0". The serine amino acid residue is found in multiple mammalian species, which suggests that this missense change does not adversely affect protein function. In summary, the available evidence is currently insufficient to determine the role of this variant in disease. Therefore, it has been classified as a Variant of Uncertain Significance. This sequence change replaces leucine, which is neutral and non-polar, with serine, which is neutral and polar, at codon 391 of the IFNAR2 protein (p.Leu391Ser). This variant is not present in population databases (gnomAD no frequency). This variant has not been reported in the literature in individuals affected with IFNAR2-related conditions.

NM_001289125.3(IFNAR2):c.1172T>C (p.Leu391Ser)

Genes: IFNAR2 (interferon alpha and beta receptor subunit 2; plus strand), IFNAR2-IL10RB (IFNAR2-IL10RB readthrough; plus strand). Cytogenetic location: 21q22.11.
Variant type: single nucleotide variant.
Coding change: c.1172T>C on transcript NM_001289125.3 (MANE Select); coding-DNA position 1172, T replaced by C.
Protein change: p.Leu391Ser; replaces leucine 391 with serine.
Molecular consequence: missense variant. On other transcripts: 3 prime UTR variant (5).
Genome position (GRCh38, 1-based): chr21:33,263,124, T>C. VCF-style: chr21-33263124-T-C. GRCh37 (hg19) VCF-style: chr21-34635429-T-C.
Other names: c.*408T>C (NM_000874.5, NM_207584.3); c.*321T>C (NM_001289126.2, NM_001289128.2); c.*547T>C (NM_001385054.1); c.1172T>C, p.Leu391Ser (NM_001385055.1, NM_207585.3); short protein forms L391S.
Identifiers: ClinVar variation 1356891 (VCV001356891.8), dbSNP rs2123542838, ClinGen allele CA410105320.